The following is an entry in ClinVar:

ClinVar aggregate classification (germline): Likely pathogenic (1 of 4 stars; one submission).

Allele frequency attached by ClinVar (database versions not stated): TOPMed below 0.00001; gnomAD exomes below 0.00001; ExAC 0.00001.
gnomAD v4.1: 3 of 1,614,130 alleles (0.00019%); highest among the groups gnomAD compares: Non-Finnish European, 0.00025%; no homozygotes.

Submission:

GeneDx
Classification: Likely pathogenic. Last evaluated: 2017-08-17. Review status: criteria provided, single submitter. Criteria: GeneDx Variant Classification (06012015). Collection method: clinical testing. Allele origin: germline. Affected: yes.
Comment: The Q85X variant has not been published as a pathogenic variant, nor has it been reported as a benign variant to our knowledge. The Q85X variant is not observed at a significant frequency in large population cohorts (Lek et al., 2016; 1000 Genomes Consortium et al., 2015; Exome Variant Server). This variant is predicted to cause loss of normal protein function through protein truncation. In summary, we interpret this variant as likely pathogenic.

NM_016077.5(PTRH2):c.253C>T (p.Gln85Ter)

Gene: PTRH2 (peptidyl-tRNA hydrolase 2; minus strand). Cytogenetic location: 17q23.1.
Variant type: single nucleotide variant.
Coding change: c.253C>T on transcript NM_016077.5 (MANE Select); coding-DNA position 253, C replaced by T.
Protein change: p.Gln85Ter; replaces glutamine 85 with a stop codon.
Molecular consequence: nonsense.
Genome position (GRCh38, 1-based): chr17:59,697,726, G>A on the plus strand (C>T on the coding strand, the complement: PTRH2 is on the minus strand). VCF-style: chr17-59697726-G-A. GRCh37 (hg19) VCF-style: chr17-57775087-G-A.
Other names: c.256C>T, p.Gln86Ter (NM_001015509.3); short protein forms Q85*, Q86*.
Identifiers: ClinVar variation 451081 (VCV000451081.2), dbSNP rs762093483, ClinGen allele CA8681923.
Genomic context (GRCh38, chr17:59,697,726, plus strand): 5'-GCATTTCAGGATTTCTTCTTTGAATCTGCTTGTAGGCTGAAACAGCAGCATGAGAGCACT[G>A]GGCAGCCACTTTCCCTTTTCCCATCTTTAAGTCATTTCGAACCACAAGAATCATCTTGTA-3'